The following is an entry in ClinVar:

ClinVar aggregate classification (germline): Uncertain significance (1 of 4 stars; one submission).

Submission:

GeneDx
Classification: Uncertain significance. Last evaluated: 2022-05-24. Review status: criteria provided, single submitter. Criteria: GeneDx Variant Classification Process June 2021. Collection method: clinical testing. Allele origin: germline. Affected: yes.
Comment: Not observed at significant frequency in large population cohorts (gnomAD); In-frame deletion of 7 amino acids in a non-repeat region; In silico analysis supports a deleterious effect on protein structure/function; Has not been previously published as pathogenic or benign to our knowledge

NM_001379291.1(BRD4):c.1420_1440del (p.Pro474_Val480del)

Gene: BRD4 (bromodomain containing 4; minus strand). Cytogenetic location: 19p13.12.
Variant type: Deletion.
Coding change: c.1420_1440del on transcript NM_001379291.1 (MANE Select); coding-DNA positions 1420 to 1440, 21 bases deleted (CCCCCTCCCACCAAGGTTGTG).
Protein change: p.Pro474_Val480del.
Molecular consequence: inframe deletion.
Genome position (GRCh38, 1-based): chr19:15,257,075-15,257,095, CACAACCTTGGTGGGAGGGGG deleted on the plus strand (CCCCCTCCCACCAAGGTTGTG on the coding strand, the reverse complement: BRD4 is on the minus strand); deleting any 21 consecutive bases within chr19:15,257,075-15,257,098 gives the same sequence; the c. name uses the placement nearest the transcript's 3' end. VCF-style (leftmost placement, unchanged base first): chr19-15257074-CCACAACCTTGGTGGGAGGGGG-C. GRCh37 (hg19) VCF-style: chr19-15367885-CCACAACCTTGGTGGGAGGGGG-C.
Other names: c.1420_1440del, p.Pro474_Val480del (NM_001330384.2, NM_001379292.1, NM_014299.3 and 1 more transcripts).
Identifiers: ClinVar variation 1801188 (VCV001801188.1), dbSNP rs1406509488, ClinGen allele CA783630002.